The following is an entry in ClinVar:

NM_000064.4(C3):c.783C>T (p.Tyr261=)

Gene: C3 (complement C3; minus strand). Cytogenetic location: 19p13.3.
Variant type: single nucleotide variant.
Coding change: c.783C>T on transcript NM_000064.4 (MANE Select); coding-DNA position 783, C replaced by T.
Protein change: p.Tyr261=; no amino-acid change (tyrosine 261 retained).
Molecular consequence: synonymous variant.
Genome position (GRCh38, 1-based): chr19:6,713,500, G>A on the plus strand (C>T on the coding strand, the complement: C3 is on the minus strand). VCF-style: chr19-6713500-G-A. GRCh37 (hg19) VCF-style: chr19-6713511-G-A.
Other names: p.Tyr261=; c.783C>T (LRG_27t1).
Identifiers: ClinVar variation 330334 (VCV000330334.24), dbSNP rs2230200, ClinGen allele CA9129665.

ClinVar aggregate classification (germline): Benign/Likely benign. Review status: criteria provided, multiple submitters, no conflicts (2 of 4 stars). 11 submissions from 9 submitters: Benign (6); Likely benign (3). 2 of the submissions do not count toward it. Last evaluated 2026-02-01.

Conditions:
Atypical hemolytic-uremic syndrome. Identifiers: Orphanet 2134, MedGen C2931788, MONDO:0016244.
Atypical hemolytic-uremic syndrome with C3 anomaly. Also called: AHUS, SUSCEPTIBILITY TO, 5. Identifiers: Orphanet 2134, MedGen C2752037, MONDO:0013043, OMIM 612925.
Age related macular degeneration 9. Identifiers: MedGen C1969651, MONDO:0012659, OMIM 611378.
Complement component 3 deficiency. Identifiers: Orphanet 280133, MedGen C3151071, MONDO:0013417, OMIM 613779.

Allele frequency attached by ClinVar (database versions not stated): gnomAD exomes 0.00310; ExAC 0.00377; 1000 Genomes Project 0.00978; 1000 Genomes Project 30x 0.01015; gnomAD 0.01063 and 0.01155; ESP Exome Variant Server 0.01153; TOPMed 0.01204.
gnomAD v4.1: 3,498 of 1,613,016 alleles (0.22%); highest among the groups gnomAD compares: African/African-American, 3.6%; 49 homozygotes.

Submissions (11):

Labcorp Genetics (formerly Invitae), Labcorp
Classification: Benign. Last evaluated: 2026-02-01. Review status: criteria provided, single submitter. Criteria: Invitae Variant Classification Sherloc (09022015). Collection method: clinical testing. Allele origin: germline.

Women's Health and Genetics/Laboratory Corporation of America, LabCorp
Classification: Benign. Last evaluated: 2026-01-22. Review status: criteria provided, single submitter. Criteria: LabCorp Variant Classification Summary - May 2015. Collection method: clinical testing. Allele origin: germline.

Mayo Clinic Laboratories, Mayo Clinic
Classification: Likely benign. Last evaluated: 2024-12-17. Review status: criteria provided, single submitter. Criteria: ACMG Guidelines, 2015. Collection method: clinical testing. Allele origin: germline. Observed: 77 variant alleles.
Comment: BP4, BP7

Blueprint Genetics
Classification: Likely benign. Last evaluated: 2024-11-13. Review status: criteria provided, single submitter. Criteria: ACMG Guidelines, 2015. Collection method: clinical testing. Allele origin: germline.

Genome Diagnostics Laboratory, The Hospital for Sick Children
Classification: Likely benign for Atypical hemolytic-uremic syndrome. Last evaluated: 2021-01-04. Review status: criteria provided, single submitter. Criteria: ACMG Guidelines, 2015. Collection method: clinical testing. Allele origin: germline.

Illumina Laboratory Services, Illumina
Classification: Benign for Complement component 3 deficiency. Last evaluated: 2018-01-12. Review status: criteria provided, single submitter. Criteria: ICSL Variant Classification Criteria 13 December 2019. Collection method: clinical testing. Allele origin: germline.
Comment: This variant was observed in the ICSL laboratory as part of a predisposition screen in an ostensibly healthy population. It had not been previously curated by ICSL or reported in the Human Gene Mutation Database (HGMD: prior to June 1st, 2018), and was therefore a candidate for classification through an automated scoring system. Utilizing variant allele frequency, disease prevalence and penetrance estimates, and inheritance mode, an automated score was calculated to assess if this variant is too frequent to cause the disease. Based on the score and internal cut-off values, a variant classified as benign is not then subjected to further curation. The score for this variant resulted in a classification of benign for this disease.

Illumina Laboratory Services, Illumina
Classification: Benign for Atypical hemolytic-uremic syndrome with C3 anomaly. Last evaluated: 2018-01-12. Review status: criteria provided, single submitter. Criteria: ICSL Variant Classification Criteria 13 December 2019. Collection method: clinical testing. Allele origin: germline.
Comment: the same text as in the submission from Illumina Laboratory Services, Illumina above.

Illumina Laboratory Services, Illumina
Classification: Benign for Age related macular degeneration 9. Last evaluated: 2018-01-12. Review status: criteria provided, single submitter. Criteria: ICSL Variant Classification Criteria 13 December 2019. Collection method: clinical testing. Allele origin: germline.
Comment: the same text as in the submission from Illumina Laboratory Services, Illumina above.

Breakthrough Genomics
Classification: Benign. Review status: criteria provided, single submitter. Criteria: ACMG Guidelines, 2015. Collection method: not provided. Allele origin: germline. Inheritance: Autosomal recessive inheritance. Affected: yes.

Genome Diagnostics Laboratory, University Medical Center Utrecht
Classification: Benign. Review status: no assertion criteria provided. Collection method: clinical testing. Allele origin: germline. Affected: yes. Study: VKGL Data-share Consensus. Not counted in ClinVar's aggregate classification.

Joint Genome Diagnostic Labs from Nijmegen and Maastricht, Radboudumc and MUMC+
Classification: Likely benign. Review status: no assertion criteria provided. Collection method: clinical testing. Allele origin: germline. Affected: yes. Study: VKGL Data-share Consensus. Not counted in ClinVar's aggregate classification.